The following is an entry in ClinVar:

NM_004484.4(GPC3):c.876T>G (p.Ile292Met)

Gene: GPC3 (glypican 3; minus strand). Cytogenetic location: Xq26.2.
Variant type: single nucleotide variant.
Coding change: c.876T>G on transcript NM_004484.4 (MANE Select); coding-DNA position 876, T replaced by G.
Protein change: p.Ile292Met; replaces isoleucine 292 with methionine.
Molecular consequence: missense variant.
Genome position (GRCh38, 1-based): chrX:133,753,638, A>C on the plus strand (T>G on the coding strand, the complement: GPC3 is on the minus strand). VCF-style: chrX-133753638-A-C. GRCh37 (hg19) VCF-style: chrX-132887665-A-C.
Other names: c.876T>G, p.Ile292Met (NM_001164617.2); c.828T>G, p.Ile276Met (NM_001164618.2); c.714T>G, p.Ile238Met (NM_001164619.2); short protein forms I238M, I276M, I292M.
Identifiers: ClinVar variation 843877 (VCV000843877.10), dbSNP rs61754633, ClinGen allele CA10520787.

ClinVar aggregate classification (germline): Uncertain significance (1 of 4 stars; one submission).

Conditions:
Wilms tumor 1 (WT1). Also called: Wilms tumor, somatic. Identifiers: Orphanet 654, MedGen CN033288, MONDO:0008679, OMIM 194070.

Allele frequency attached by ClinVar (database versions not stated): TOPMed 0.00002.
gnomAD v4.1: 2 of 1,211,591 alleles (0.00017%); highest among the groups gnomAD compares: East Asian, 0.0059%; no homozygotes.

Submission:

Labcorp Genetics (formerly Invitae), Labcorp
Classification: Uncertain significance for Wilms tumor 1. Last evaluated: 2025-02-17. Review status: criteria provided, single submitter. Criteria: Invitae Variant Classification Sherloc (09022015). Collection method: clinical testing. Allele origin: germline.
Comment: This sequence change replaces isoleucine, which is neutral and non-polar, with methionine, which is neutral and non-polar, at codon 292 of the GPC3 protein (p.Ile292Met). This variant is present in population databases (rs61754633, gnomAD 0.05%), including at least one homozygous and/or hemizygous individual. This variant has not been reported in the literature in individuals affected with GPC3-related conditions. ClinVar contains an entry for this variant (Variation ID: 843877). Invitae Evidence Modeling of protein sequence and biophysical properties (such as structural, functional, and spatial information, amino acid conservation, physicochemical variation, residue mobility, and thermodynamic stability) has been performed for this missense variant. However, the output from this modeling did not meet the statistical confidence thresholds required to predict the impact of this variant on GPC3 protein function. In summary, the available evidence is currently insufficient to determine the role of this variant in disease. Therefore, it has been classified as a Variant of Uncertain Significance.